The following is an entry in ClinVar:

NM_001276270.2(MBD4):c.233C>G (p.Ala78Gly)

Gene: MBD4 (methyl-CpG binding domain 4, DNA glycosylase; minus strand). Cytogenetic location: 3q21.3.
Variant type: single nucleotide variant.
Coding change: c.233C>G on transcript NM_001276270.2 (MANE Select); coding-DNA position 233, C replaced by G.
Protein change: p.Ala78Gly; replaces alanine 78 with glycine.
Molecular consequence: missense variant.
Genome position (GRCh38, 1-based): chr3:129,437,822, G>C on the plus strand (C>G on the coding strand, the complement: MBD4 is on the minus strand). VCF-style: chr3-129437822-G-C. GRCh37 (hg19) VCF-style: chr3-129156665-G-C.
Other names: c.233C>G, p.Ala78Gly (NM_001276271.2, NM_001276272.2, NM_001276273.2 and 1 more transcripts); c.233C>G (NM_003925.2); short protein forms A78G.
Identifiers: ClinVar variation 2894305 (VCV002894305.6), dbSNP rs907961857, ClinGen allele CA82637556.
Genomic context (GRCh38, chr3:129,437,822, plus strand): 5'-AACCTTTGCTTCACAACTCTTTCCCATCCACATGGGACAGACTTACGGCATTCTGTTCCT[G>C]CAGTAGCACCAAACTGAGCAGAAGCGATGGGTTCTTGTAGCAAGGGATTACATTCACTGC-3'
Protein context (NP_001263199.1, residues 68-88): PIASAQFGAT[Ala78Gly]GTECRKSVPC

ClinVar aggregate classification (germline): Uncertain significance. Review status: criteria provided, multiple submitters, no conflicts (2 of 4 stars). 3 submissions from 3 submitters: Uncertain significance (3). Last evaluated 2026-06-25.

Conditions:
Inborn genetic diseases. Identifiers: MedGen C0950123, MeSH D030342.
MBD4-related disorder. Also called: MBD4-related condition.

Allele frequency attached by ClinVar (database versions not stated): TOPMed 0.00001.

Submissions (3):

PreventionGenetics, part of Exact Sciences
Classification: Uncertain significance for MBD4-related condition. Last evaluated: 2026-06-25. Review status: criteria provided, single submitter. Criteria: ACMG Guidelines, 2015. Collection method: clinical testing. Allele origin: germline.
Comment: The MBD4 c.233C>G variant is predicted to result in the amino acid substitution p.Ala78Gly. To our knowledge, this variant has not been reported in the literature or in a large population database (gnomAD), indicating this variant is rare. At this time, the clinical significance of this variant is uncertain due to the absence of conclusive functional and genetic evidence.

Labcorp Genetics (formerly Invitae), Labcorp
Classification: Uncertain significance. Last evaluated: 2026-01-31. Review status: criteria provided, single submitter. Criteria: Invitae Variant Classification Sherloc (09022015). Collection method: clinical testing. Allele origin: germline.
Comment: This sequence change replaces alanine, which is neutral and non-polar, with glycine, which is neutral and non-polar, at codon 78 of the MBD4 protein (p.Ala78Gly). This variant is not present in population databases (gnomAD no frequency). This variant has not been reported in the literature in individuals affected with MBD4-related conditions. ClinVar contains an entry for this variant (Variation ID: 2894305). An algorithm developed to predict the effect of missense changes on protein structure and function (PolyPhen-2) suggests that this variant is likely to be disruptive. In summary, the available evidence is currently insufficient to determine the role of this variant in disease. Therefore, it has been classified as a Variant of Uncertain Significance.

Ambry Genetics
Classification: Uncertain significance for Inborn genetic diseases. Last evaluated: 2025-08-26. Review status: criteria provided, single submitter. Criteria: Ambry Variant Classification Scheme 2023. Collection method: clinical testing. Allele origin: germline.